The following is an entry in ClinVar:

ClinVar aggregate classification (germline): Uncertain significance (1 of 4 stars; one submission).

Conditions:
Severe early-onset pulmonary alveolar proteinosis due to MARS deficiency. Also called: PULMONARY ALVEOLAR PROTEINOSIS, REUNION ISLAND; Interstitial lung and liver disease. Identifiers: Orphanet 440427, MedGen C4225400, MONDO:0014206, OMIM 615486.
Charcot-Marie-Tooth disease axonal type 2U. Also called: CHARCOT-MARIE-TOOTH NEUROPATHY, TYPE 2U; CHARCOT-MARIE-TOOTH DISEASE, AXONAL, AUTOSOMAL DOMINANT, TYPE 2U. Identifiers: Orphanet 397735, MedGen C4084821, MONDO:0014566, OMIM 616280.

Submission:

Labcorp Genetics (formerly Invitae), Labcorp
Classification: Uncertain significance for Charcot-Marie-Tooth disease axonal type 2U; Severe early-onset pulmonary alveolar proteinosis due to MARS deficiency. Last evaluated: 2024-10-23. Review status: criteria provided, single submitter. Criteria: Invitae Variant Classification Sherloc (09022015). Collection method: clinical testing. Allele origin: germline.
Comment: This sequence change replaces asparagine, which is neutral and polar, with isoleucine, which is neutral and non-polar, at codon 348 of the MARS protein (p.Asn348Ile). This variant is not present in population databases (gnomAD no frequency). This variant has not been reported in the literature in individuals affected with MARS-related conditions. An algorithm developed to predict the effect of missense changes on protein structure and function (PolyPhen-2) suggests that this variant is likely to be disruptive. In summary, the available evidence is currently insufficient to determine the role of this variant in disease. Therefore, it has been classified as a Variant of Uncertain Significance.

NM_004990.4(MARS1):c.1043A>T (p.Asn348Ile)

Gene: MARS1 (methionyl-tRNA synthetase 1; plus strand). Cytogenetic location: 12q13.3.
Variant type: single nucleotide variant.
Coding change: c.1043A>T on transcript NM_004990.4 (MANE Select); coding-DNA position 1043, A replaced by T.
Protein change: p.Asn348Ile; replaces asparagine 348 with isoleucine.
Molecular consequence: missense variant.
Genome position (GRCh38, 1-based): chr12:57,498,575, A>T. VCF-style: chr12-57498575-A-T. GRCh37 (hg19) VCF-style: chr12-57892358-A-T.
Other names: short protein forms N348I.
Identifiers: ClinVar variation 2949232 (VCV002949232.3), dbSNP rs781533160, ClinGen allele CA385456161.